The following is an entry in ClinVar:

NM_000051.4(ATM):c.853C>T (p.Leu285=)

Gene: ATM (ATM serine/threonine kinase; plus strand). Cytogenetic location: 11q22.3.
Variant type: single nucleotide variant.
Coding change: c.853C>T on transcript NM_000051.4 (MANE Select); coding-DNA position 853, C replaced by T.
Protein change: p.Leu285=; no amino-acid change (leucine 285 retained).
Molecular consequence: synonymous variant.
Genome position (GRCh38, 1-based): chr11:108,244,978, C>T. VCF-style: chr11-108244978-C-T. GRCh37 (hg19) VCF-style: chr11-108115705-C-T.
Other names: c.853C>T, p.Leu285= (NM_001351834.2).
Identifiers: ClinVar variation 3254083 (VCV003254083.1), dbSNP rs1472974298.

ClinVar aggregate classification (germline): Benign (1 of 4 stars; one submission).

Conditions:
Familial cancer of breast. Also called: BREAST CANCER, FAMILIAL; Hereditary breast cancer; hereditary breast carcinoma. Identifiers: Orphanet 227535, MedGen C0346153, MONDO:0016419, OMIM 114480. Disease mechanism: loss of function.

Allele frequency attached by ClinVar (database versions not stated): TOPMed below 0.00001.

Submission:

Myriad Genetics, Inc.
Classification: Benign for Familial cancer of breast. Last evaluated: 2024-04-23. Review status: criteria provided, single submitter. Criteria: Myriad Autosomal Dominant, Autosomal Recessive and X-Linked Classification Criteria (2023). Collection method: clinical testing. Allele origin: unknown.
Comment: This variant is considered benign. This variant is a silent/synonymous amino acid change and it is not expected to impact splicing.